The following is an entry in ClinVar:

ClinVar aggregate classification (germline): Uncertain significance. Review status: criteria provided, multiple submitters, no conflicts (2 of 4 stars). 3 submissions from 3 submitters: Uncertain significance (3). Last evaluated 2025-03-17.

Conditions:
Cardiovascular phenotype. Identifiers: MedGen CN230736.
Ehlers-Danlos syndrome due to tenascin-X deficiency (EDSCLL1). Also called: TNXB-Related Classical-Like Ehlers-Danlos Syndrome; EDS DUE TO TNX DEFICIENCY; TNX DEFICIENCY; EHLERS-DANLOS SYNDROME, CLASSIC-LIKE; Ehlers-Danlos syndrome, classic-like, 1. Identifiers: Orphanet 230839, MedGen C1848029, MONDO:0011670, OMIM 606408.

Allele frequency attached by ClinVar (database versions not stated): 1000 Genomes Project 30x 0.00016.
gnomAD v4.1: 139 of 1,613,430 alleles (0.0086%); highest among the groups gnomAD compares: South Asian, 0.045%; 1 homozygote.

Submissions (3):

GeneDx
Classification: Uncertain significance. Last evaluated: 2025-03-17. Review status: criteria provided, single submitter. Criteria: GeneDx Variant Classification Process June 2021. Collection method: clinical testing. Allele origin: germline. Affected: yes.
Comment: In silico analysis supports that this missense variant has a deleterious effect on protein structure/function; This variant is associated with the following publications: (PMID: 26193622)

Ambry Genetics
Classification: Uncertain significance for Cardiovascular phenotype. Last evaluated: 2025-01-08. Review status: criteria provided, single submitter. Criteria: Ambry Variant Classification Scheme 2023. Collection method: clinical testing. Allele origin: germline.
Comment: The p.G2134R variant (also known as c.6400G>A), located in coding exon 17 of the TNXB gene, results from a G to A substitution at nucleotide position 6400. The glycine at codon 2134 is replaced by arginine, an amino acid with dissimilar properties. This amino acid position is highly conserved in available vertebrate species. In addition, this alteration is predicted to be tolerated by in silico analysis. Based on the available evidence, the clinical significance of this variant remains unclear.

Pittsburgh Clinical Genomics Laboratory, University of Pittsburgh Medical Center
Classification: Uncertain significance for Ehlers-Danlos syndrome due to tenascin-X deficiency. Last evaluated: 2024-04-11. Review status: criteria provided, single submitter. Criteria: ACMG Guidelines, 2015. Collection method: clinical testing. Allele origin: germline. Inheritance: Autosomal unknown. Affected: yes.
Comment: This sequence variant is a single nucleotide substitution (G>A) at position 6400 of the coding sequence of the TNXB gene that results in a glycine to arginine amino acid change at residue 2134 of the tenascin XB protein. The 2134 residue falls in the fibronectin type-III 12 domain (UniProt). This is a previously reported variant (ClinVar 1683972) that has been observed in individuals affected by early-onset inflammatory bowel disease (PMID: 26193622). This variant is present in 139 of 1613430 alleles (0.0086%) in the gnomAD v4.0.0 population dataset. Multiple bioinformatic tools predict that this amino acid change would be neutral, and the Gly2134 residue at this position is moderately conserved across the vertebrate species examined. Studies examining the functional consequence of this variant have not been published, to our knowledge. At this time, there is insufficient evidence to determine if this variant is pathogenic or benign. Therefore, we consider this a variant of uncertain significance. ACMG Criteria: BP4

Literature cited by the submitters: PubMed 26193622 (cited by Pittsburgh Clinical Genomics Laboratory, University of Pittsburgh Medical Center).

NM_001365276.2(TNXB):c.6400G>A (p.Gly2134Arg)

Gene: TNXB (tenascin XB; minus strand). Cytogenetic location: 6p21.33.
Variant type: single nucleotide variant.
Coding change: c.6400G>A on transcript NM_001365276.2 (MANE Select); coding-DNA position 6400, G replaced by A.
Protein change: p.Gly2134Arg; replaces glycine 2134 with arginine.
Molecular consequence: missense variant.
Genome position (GRCh38, 1-based): chr6:32,067,805, C>T on the plus strand (G>A on the coding strand, the complement: TNXB is on the minus strand). VCF-style: chr6-32067805-C-T. GRCh37 (hg19) VCF-style: chr6-32035582-C-T.
Other names: c.6400G>A, p.Gly2134Arg (NM_019105.8); short protein forms G2134R.
Identifiers: ClinVar variation 1683972 (VCV001683972.6), dbSNP rs763024425, ClinGen allele CA3734445.